The following is an entry in ClinVar:

ClinVar aggregate classification (germline): Uncertain significance (1 of 4 stars; one submission).

gnomAD v4.1: 58 of 1,614,034 alleles (0.0036%); highest among the groups gnomAD compares: Non-Finnish European, 0.0047%; no homozygotes.

Submission:

GeneDx
Classification: Uncertain significance. Last evaluated: 2024-12-23. Review status: criteria provided, single submitter. Criteria: GeneDx Variant Classification Process June 2021. Collection method: clinical testing. Allele origin: germline. Affected: yes.
Comment: In silico analysis supports that this missense variant has a deleterious effect on protein structure/function; Has not been previously published as pathogenic or benign to our knowledge

NM_139215.3(TAF15):c.151A>G (p.Ser51Gly)

Gene: TAF15 (TATA-box binding protein associated factor 15; plus strand). Cytogenetic location: 17q12.
Variant type: single nucleotide variant.
Coding change: c.151A>G on transcript NM_139215.3 (MANE Select); coding-DNA position 151, A replaced by G.
Protein change: p.Ser51Gly; replaces serine 51 with glycine.
Molecular consequence: missense variant.
Genome position (GRCh38, 1-based): chr17:35,820,215, A>G. VCF-style: chr17-35820215-A-G. GRCh37 (hg19) VCF-style: chr17-34147219-A-G.
Other names: c.151A>G, p.Ser51Gly (NM_003487.4); short protein forms S51G.
Identifiers: ClinVar variation 3906414 (VCV003906414.1).